The following is an entry in ClinVar:

ClinVar aggregate classification (germline): Uncertain significance. Review status: criteria provided, multiple submitters, no conflicts (2 of 4 stars). 11 submissions from 11 submitters: Uncertain significance (10). 1 of the submissions does not count toward it. Last evaluated 2026-05-14.

Conditions:
Hereditary nonpolyposis colorectal neoplasms. Identifiers: MedGen C0009405, MeSH D003123.
Hereditary cancer-predisposing syndrome. Also called: Hereditary neoplastic syndrome; Neoplastic Syndromes, Hereditary; Tumor predisposition; Hereditary Cancer Syndrome. Identifiers: Orphanet 140162, MedGen C0027672, MeSH D009386, MONDO:0015356.
Lynch syndrome. Identifiers: Orphanet 144, MedGen C4552100, MONDO:0005835. Disease mechanism: loss of function.
Lynch syndrome 4 (LYNCH4). Also called: Colorectal cancer, hereditary nonpolyposis, type 4; Hereditary non-polyposis colorectal cancer, type 4. Identifiers: Orphanet 144, MedGen C1838333, MONDO:0013699, OMIM 614337. Disease mechanism: loss of function.

Allele frequency attached by ClinVar (database versions not stated): ExAC 0.00001; gnomAD 0.00001; gnomAD exomes 0.00001; TOPMed 0.00003.

Submissions (11):

Women's Health and Genetics/Laboratory Corporation of America, LabCorp
Classification: Uncertain significance. Last evaluated: 2026-05-14. Review status: criteria provided, single submitter. Criteria: LabCorp Variant Classification Summary - May 2015. Collection method: clinical testing. Allele origin: germline.
Comment: Variant summary: PMS2 c.2335G>A (p.Gly779Arg) results in a non-conservative amino acid change in the encoded protein sequence. Algorithms developed to predict the effect of missense changes on protein structure and function all suggest that this variant is likely to be disruptive. The variant allele was found at a frequency of 8e-06 in 250186 control chromosomes (gnomAD). The available data on variant occurrences in the general population are insufficient to allow any conclusion about variant significance. c.2335G>A has been observed in individuals affected with Hereditary Breast and Ovarian Cancer (Oliver_2019, Abdel-Razeq_2022). These reports do not provide unequivocal conclusions about association of the variant with Lynch Syndrome. At least one publication reports experimental evidence evaluating an impact on protein function. These results showed no damaging effect of this variant (DArcy_2022). The following publications have been ascertained in the context of this evaluation (PMID: 35402282, 35189042, 31921681). ClinVar contains an entry for this variant (Variation ID: 127778). Based on the evidence outlined above, the variant was classified as uncertain significance.

Labcorp Genetics (formerly Invitae), Labcorp
Classification: Uncertain significance for Hereditary nonpolyposis colorectal neoplasms. Last evaluated: 2025-09-27. Review status: criteria provided, single submitter. Criteria: Invitae Variant Classification Sherloc (09022015). Collection method: clinical testing. Allele origin: germline.
Comment: This sequence change replaces glycine, which is neutral and non-polar, with arginine, which is basic and polar, at codon 779 of the PMS2 protein (p.Gly779Arg). The frequency data for this variant in the population databases (gnomAD) is considered unreliable due to the presence of homologous sequence, such as pseudogenes or paralogs, in the genome. This variant has not been reported in the literature in individuals affected with PMS2-related conditions. ClinVar contains an entry for this variant (Variation ID: 127778). Invitae Evidence Modeling of protein sequence and biophysical properties (such as structural, functional, and spatial information, amino acid conservation, physicochemical variation, residue mobility, and thermodynamic stability) indicates that this missense variant is expected to disrupt PMS2 protein function with a positive predictive value of 80%. In summary, the available evidence is currently insufficient to determine the role of this variant in disease. Therefore, it has been classified as a Variant of Uncertain Significance.

Ambry Genetics
Classification: Uncertain significance for Hereditary cancer-predisposing syndrome. Last evaluated: 2025-07-28. Review status: criteria provided, single submitter. Criteria: Ambry Variant Classification Scheme 2023. Collection method: clinical testing. Allele origin: germline.
Comment: The p.G779R variant (also known as c.2335G>A), located in coding exon 14 of the PMS2 gene, results from a G to A substitution at nucleotide position 2335. The glycine at codon 779 is replaced by arginine, an amino acid with dissimilar properties. This alteration was detected in 1/1197 individuals diagnosed with breast cancer who underwent genetic testing (Abdel-Razeq H et al. Front Oncol, 2022 Mar;12:673094). This alteration was also detected in a cohort of 403 individuals that fulfilled the 2018 NCCN testing criteria for hereditary breast/ovarian cancer (HBOC) (Oliver J et al. Front Oncol, 2019 Dec;9:1429). In one functional study, this variant demonstrated increased MMR repair activity (~4 fold) compared to the wild-type control, revealing variant had no negative impact on MMR activity (D'Arcy BM et al. Mol Genet Genomic Med, 2022 Feb;10:e1908). This amino acid position is highly conserved in available vertebrate species. In addition, this alteration is predicted to be deleterious by in silico analysis. Based on the available evidence, the clinical significance of this variant remains unclear.

Hema, HEMA – Genetic and Molecular Diagnostic Laboratory
Classification: Uncertain significance for Lynch syndrome. Last evaluated: 2025-03-14. Review status: criteria provided, single submitter. Criteria: HEMA Variant Classification Assertion Criteria. Collection method: clinical testing. Allele origin: germline.
Comment: It is a transition from cytosine to thymine, resulting in the substitution of glycine 779 by arginine in the PMS2 protein. PM2_Supporting: Present at very low frequency in the gnomAD v4.1.0 database. PP3_Moderate: Prior probability of pathogenicity score MAPP/PP2 = 0.9617 > 0.81.

Center for Genomic Medicine, Rigshospitalet, Copenhagen University Hospital
Classification: Uncertain significance. Last evaluated: 2025-03-04. Review status: criteria provided, single submitter. Criteria: ACMG Guidelines, 2015. Collection method: clinical testing. Allele origin: germline.

Color Diagnostics, LLC DBA Color Health
Classification: Uncertain significance for Hereditary cancer-predisposing syndrome. Last evaluated: 2024-07-09. Review status: criteria provided, single submitter. Criteria: ACMG Guidelines, 2015. Collection method: clinical testing. Allele origin: germline.
Comment: This missense variant replaces glycine with arginine at codon 779 of the PMS2 protein. Computational prediction suggests that this variant may have deleterious impact on protein structure and function. A functional study has shown that this variant displayed increased mismatch repair activity compared to wild type (PMID: 35189042). This variant has been reported in individuals affected with breast cancer or met the criteria for heredidary breast and ovarian cancer testing (PMID: 31921681, 35402282) and in a breast cancer case-control meta-analysis in 0/60466 cases and 2/53461 unaffected individuals (PMID: 33471991; Leiden Open Variation Database DB-ID PMS2_000579). This variant has not been identified in the general population by the Genome Aggregation Database (gnomAD). The available evidence is insufficient to determine the role of this variant in disease conclusively. Therefore, this variant is classified as a Variant of Uncertain Significance.

Baylor Genetics
Classification: Uncertain significance for Lynch syndrome 4. Last evaluated: 2024-01-25. Review status: criteria provided, single submitter. Criteria: ACMG Guidelines, 2015. Collection method: clinical testing. Allele origin: unknown.

Quest Diagnostics Nichols Institute San Juan Capistrano
Classification: Uncertain significance. Last evaluated: 2023-10-13. Review status: criteria provided, single submitter. Criteria: Quest Diagnostics criteria. Collection method: clinical testing. Allele origin: unknown.

Clinical Genetics Laboratory, Skane University Hospital Lund
Classification: Uncertain significance. Last evaluated: 2023-10-12. Review status: criteria provided, single submitter. Criteria: ACMG Guidelines, 2015. Collection method: clinical testing. Allele origin: germline. Affected: yes.

GeneDx
Classification: Uncertain significance. Last evaluated: 2022-06-03. Review status: criteria provided, single submitter. Criteria: GeneDx Variant Classification Process June 2021. Collection method: clinical testing. Allele origin: germline. Affected: yes.
Comment: Observed in an individual with breast cancer (Abdel-Razeq 2022); Published functional study demonstrates increased repair activity compared to controls (D'Arcy 2022); Not observed at significant frequency in large population cohorts (gnomAD); In silico analysis supports that this missense variant has a deleterious effect on protein structure/function; This variant is associated with the following publications: (PMID: 35402282, 35189042)

Department of Pathology and Laboratory Medicine, Sinai Health System
Classification: Uncertain significance. Review status: no assertion criteria provided. Collection method: clinical testing. Allele origin: unknown. Affected: yes. Observed: 1 variant allele. Study: The Canadian Open Genetics Repository (COGR). Not counted in ClinVar's aggregate classification.
Comment: The PMS2 p.Gly779Arg variant was not identified in the literature nor was it identified in the GeneInsight-COGR, Cosmic, MutDB, Insight Colon Cancer Gene Variant Database, Zhejiang University, Mismatch Repair Genes Variant, and Insight Hereditary Tumors databases. The variant was also identified in dbSNP (ID: rs587780053) as with uncertain significance allele, and in the ClinVar and Clinvitae databases as uncertain significance by GeneDx, Ambry Genetics, and Invitae. The variant was not identified in the 1000 Genomes Project or in the NHLBI GO Exome Sequencing Project. The variant was identified in control databases in 1 of 244984 chromosomes at a frequency of 0.000004 (Genome Aggregation Database Feb 27, 2017). The variant was observed in the following populations: European Non-Finnish in 1 of 110822 chromosomes (freq: 0.00001), while the variant was not observed in the African, Other, Latino, Ashkenazi Jewish, East Asian, European Finnish, and South Asian populations. The variant occurs outside of the splicing consensus sequence and 1 of 5 in silico or computational rediction software programs (SpliceSiteFinder, MaxEntScan, NNSPLICE, GeneSplicer, HumanSpliceFinder) predict a greater than 10% difference in splicing; this is not very predictive of pathogenicity. The p.Gly779 residue is conserved in mammals but not in more distantly related organisms, and four out of five computational analyses (PolyPhen-2, SIFT, AlignGVGD, BLOSUM, MutationTaster) suggest that the G variant may impact the protein; however, this information is not predictive enough to assume pathogenicity. In summary, based on the above information the clinical significance of this variant cannot be determined with certainty at this time. This variant is classified as a variant of uncertain significance.

Literature cited by the submitters: PubMed 31921681 (cited by 4 submitters); PubMed 35402282 (cited by 4 submitters); PubMed 35189042 (cited by 4 submitters); PubMed 33471991 (cited by Color Diagnostics, LLC DBA Color Health and Quest Diagnostics Nichols Institute San Juan Capistrano).

NM_000535.7(PMS2):c.2335G>A (p.Gly779Arg)

Gene: PMS2 (PMS1 homolog 2, mismatch repair system component; minus strand). Cytogenetic location: 7p22.1.
Variant type: single nucleotide variant.
Coding change: c.2335G>A on transcript NM_000535.7 (MANE Select); coding-DNA position 2335, G replaced by A.
Protein change: p.Gly779Arg; replaces glycine 779 with arginine.
Molecular consequence: missense variant. On other transcripts: non-coding transcript variant (1).
Genome position (GRCh38, 1-based): chr7:5,977,698, C>T on the plus strand (G>A on the coding strand, the complement: PMS2 is on the minus strand). VCF-style: chr7-5977698-C-T. GRCh37 (hg19) VCF-style: chr7-6017329-C-T.
Other names: c.1930G>A, p.Gly644Arg (NM_001322003.2, NM_001322004.2, NM_001322005.2); c.2179G>A, p.Gly727Arg (NM_001322006.2); c.2017G>A, p.Gly673Arg (NM_001322007.2, NM_001322008.2); c.1963G>A, p.Gly655Arg (NM_001322009.2); c.1774G>A, p.Gly592Arg (NM_001322010.2); c.1402G>A, p.Gly468Arg (NM_001322011.2, NM_001322012.2); c.1762G>A, p.Gly588Arg (NM_001322013.2); c.2368G>A, p.Gly790Arg (NM_001322014.2); and 2 more; short protein forms G779R, G655R, G468R, G592R, G644R, G790R, G588R, G673R.
Identifiers: ClinVar variation 127778 (VCV000127778.29), dbSNP rs587780053, ClinGen allele CA011275.